The following is an entry in ClinVar:

ClinVar aggregate classification (germline): Uncertain significance (1 of 4 stars; one submission).

Conditions:
Developmental and epileptic encephalopathy, 32 (DEE32). Also called: Epileptic encephalopathy, early infantile, 32. Identifiers: Orphanet 442835, MedGen C4225350, MONDO:0014607, OMIM 616366.

Submission:

Labcorp Genetics (formerly Invitae), Labcorp
Classification: Uncertain significance for Developmental and epileptic encephalopathy, 32. Last evaluated: 2020-07-01. Review status: criteria provided, single submitter. Criteria: Invitae Variant Classification Sherloc (09022015). Collection method: clinical testing. Allele origin: germline.
Comment: In summary, the available evidence is currently insufficient to determine the role of this variant in disease. Therefore, it has been classified as a Variant of Uncertain Significance. Algorithms developed to predict the effect of missense changes on protein structure and function (SIFT, PolyPhen-2, Align-GVGD) all suggest that this variant is likely to be disruptive, but these predictions have not been confirmed by published functional studies and their clinical significance is uncertain. This variant has not been reported in the literature in individuals with KCNA2-related conditions. This variant is not present in population databases (ExAC no frequency). This sequence change replaces valine with glycine at codon 399 of the KCNA2 protein (p.Val399Gly). The valine residue is highly conserved and there is a moderate physicochemical difference between valine and glycine.

NM_004974.4(KCNA2):c.1196T>G (p.Val399Gly)

Gene: KCNA2 (potassium voltage-gated channel subfamily A member 2; minus strand). Cytogenetic location: 1p13.3.
Variant type: single nucleotide variant.
Coding change: c.1196T>G on transcript NM_004974.4 (MANE Select); coding-DNA position 1196, T replaced by G.
Protein change: p.Val399Gly; replaces valine 399 with glycine.
Molecular consequence: missense variant. On other transcripts: intron variant (1).
Genome position (GRCh38, 1-based): chr1:110,603,587, A>C on the plus strand (T>G on the coding strand, the complement: KCNA2 is on the minus strand). VCF-style: chr1-110603587-A-C. GRCh37 (hg19) VCF-style: chr1-111146209-A-C.
Other names: c.894+302T>G (NM_001204269.2); short protein forms V399G.
Identifiers: ClinVar variation 1019183 (VCV001019183.9), dbSNP rs1649457707, ClinGen allele CA341601377.